The following is an entry in ClinVar:

ClinVar aggregate classification (germline): Uncertain significance (1 of 4 stars; one submission).

Submission:

Labcorp Genetics (formerly Invitae), Labcorp
Classification: Uncertain significance. Last evaluated: 2022-08-08. Review status: criteria provided, single submitter. Criteria: Invitae Variant Classification Sherloc (09022015). Collection method: clinical testing. Allele origin: germline.
Comment: This variant is not present in population databases (gnomAD no frequency). This variant has not been reported in the literature in individuals affected with HMCN1-related conditions. Algorithms developed to predict the effect of missense changes on protein structure and function are either unavailable or do not agree on the potential impact of this missense change (SIFT: "Deleterious"; PolyPhen-2: "Probably Damaging"; Align-GVGD: "Class C0"). In summary, the available evidence is currently insufficient to determine the role of this variant in disease. Therefore, it has been classified as a Variant of Uncertain Significance. This sequence change replaces threonine, which is neutral and polar, with asparagine, which is neutral and polar, at codon 1821 of the HMCN1 protein (p.Thr1821Asn).

NM_031935.3(HMCN1):c.5462C>A (p.Thr1821Asn)

Gene: HMCN1 (hemicentin 1; plus strand). Cytogenetic location: 1q31.1.
Variant type: single nucleotide variant.
Coding change: c.5462C>A on transcript NM_031935.3 (MANE Select); coding-DNA position 5462, C replaced by A.
Protein change: p.Thr1821Asn; replaces threonine 1821 with asparagine.
Molecular consequence: missense variant.
Genome position (GRCh38, 1-based): chr1:186,018,344, C>A. VCF-style: chr1-186018344-C-A. GRCh37 (hg19) VCF-style: chr1-185987476-C-A.
Other names: short protein forms T1821N.
Identifiers: ClinVar variation 1715705 (VCV001715705.5), dbSNP rs2527540490, ClinGen allele CA343891724.